The following is an entry in ClinVar:

NM_000784.4(CYP27A1):c.1031T>A (p.Leu344Gln)

Gene: CYP27A1 (cytochrome P450 family 27 subfamily A member 1; plus strand). Cytogenetic location: 2q35.
Variant type: single nucleotide variant.
Coding change: c.1031T>A on transcript NM_000784.4 (MANE Select); coding-DNA position 1031, T replaced by A.
Protein change: p.Leu344Gln; replaces leucine 344 with glutamine.
Molecular consequence: missense variant.
Genome position (GRCh38, 1-based): chr2:218,814,034, T>A. VCF-style: chr2-218814034-T-A. GRCh37 (hg19) VCF-style: chr2-219678757-T-A.
Other names: short protein forms L344Q.
Identifiers: ClinVar variation 2586033 (VCV002586033.2), dbSNP rs1943753676, ClinGen allele CA350591269.

ClinVar aggregate classification (germline): Uncertain significance (1 of 4 stars; one submission).

Conditions:
Cardiovascular phenotype. Identifiers: MedGen CN230736.

Submission:

Ambry Genetics
Classification: Uncertain significance for Cardiovascular phenotype. Last evaluated: 2023-07-24. Review status: criteria provided, single submitter. Criteria: Ambry Variant Classification Scheme 2023. Collection method: clinical testing. Allele origin: germline.
Comment: The p.L344Q variant (also known as c.1031T>A), located in coding exon 6 of the CYP27A1 gene, results from a T to A substitution at nucleotide position 1031. The leucine at codon 344 is replaced by glutamine, an amino acid with dissimilar properties. This amino acid position is conserved. In addition, this alteration is predicted to be deleterious by in silico analysis. Since supporting evidence is limited at this time, the clinical significance of this alteration remains unclear.